The following is an entry in ClinVar:

NM_001290043.2(TAP2):c.1597C>A (p.Pro533Thr)

Gene: TAP2 (transporter 2, ATP binding cassette subfamily B member; minus strand). Cytogenetic location: 6p21.32.
Variant type: single nucleotide variant.
Coding change: c.1597C>A on transcript NM_001290043.2 (MANE Select); coding-DNA position 1597, C replaced by A.
Protein change: p.Pro533Thr; replaces proline 533 with threonine.
Molecular consequence: missense variant.
Genome position (GRCh38, 1-based): chr6:32,830,305, G>T on the plus strand (C>A on the coding strand, the complement: TAP2 is on the minus strand). VCF-style: chr6-32830305-G-T. GRCh37 (hg19) VCF-style: chr6-32798082-G-T.
Other names: c.1597C>A, p.Pro533Thr (NM_000544.3, NM_018833.3); short protein forms P533T.
Identifiers: ClinVar variation 1468197 (VCV001468197.6), dbSNP rs1459502678, ClinGen allele CA363579954.

ClinVar aggregate classification (germline): Uncertain significance (1 of 4 stars; one submission).

Conditions:
MHC class I deficiency. Identifiers: Orphanet 34592, MedGen C6024714, MONDO:0011476.

Allele frequency attached by ClinVar (database versions not stated): gnomAD exomes below 0.00001; gnomAD 0.00001; TOPMed 0.00001.
gnomAD v4.1: 3 of 1,612,948 alleles (0.00019%); highest among the groups gnomAD compares: African/African-American, 0.0027%; no homozygotes.

Submission:

Labcorp Genetics (formerly Invitae), Labcorp
Classification: Uncertain significance for MHC class I deficiency 1. Last evaluated: 2022-06-09. Review status: criteria provided, single submitter. Criteria: Invitae Variant Classification Sherloc (09022015). Collection method: clinical testing. Allele origin: germline.
Comment: This sequence change replaces proline, which is neutral and non-polar, with threonine, which is neutral and polar, at codon 533 of the TAP2 protein (p.Pro533Thr). This variant is not present in population databases (gnomAD no frequency). This variant has not been reported in the literature in individuals affected with TAP2-related conditions. Algorithms developed to predict the effect of missense changes on protein structure and function are either unavailable or do not agree on the potential impact of this missense change (SIFT: "Deleterious"; PolyPhen-2: "Not Available"; Align-GVGD: "Class C0"). In summary, the available evidence is currently insufficient to determine the role of this variant in disease. Therefore, it has been classified as a Variant of Uncertain Significance.